The following is an entry in ClinVar:

ClinVar aggregate classification (germline): Pathogenic/Likely pathogenic. Review status: criteria provided, multiple submitters, no conflicts (2 of 4 stars). 3 submissions from 3 submitters: Pathogenic (1); Likely pathogenic (1). 1 of the submissions does not count toward it. Last evaluated 2024-01-25.

Conditions:
Polycystic kidney disease, adult type (PKD1). Also called: POLYCYSTIC KIDNEY DISEASE 1 WITH OR WITHOUT POLYCYSTIC LIVER DISEASE; Polycystic Kidney Disease 1, Autosomal Dominant; Polycystic kidney disease 1; Polycystic kidney disease 1, severe; POLYCYSTIC KIDNEY DISEASE, ADULT, TYPE I; Polycystic Kidney, Autosomal Dominant. Identifiers: MedGen C3149841, MONDO:0008263, OMIM 173900.
Autosomal dominant polycystic kidney disease. Identifiers: Orphanet 730, MedGen C0085413, MONDO:0004691.

Submissions (3):

Department of Pathology and Laboratory Medicine, Sinai Health System
Classification: Pathogenic for Polycystic kidney disease, adult type. Last evaluated: 2024-01-25. Review status: criteria provided, single submitter. Criteria: ACMG Guidelines, 2015. Collection method: clinical testing. Allele origin: germline. Affected: yes.

Juno Genomics, Hangzhou Juno Genomics, Inc
Classification: Likely pathogenic for Polycystic kidney disease, adult type. Review status: criteria provided, single submitter. Criteria: ACMG Guidelines, 2015. Collection method: clinical testing. Allele origin: germline. Affected: yes.
Comment: Absent from controls (or at extremely low frequency if recessive) in Genome Aggregation Database, Exome Sequencing Project, 1000 Genomes Project, or Exome Aggregation Consortium.;Null variant in a gene where loss of function (LOF) is a known mechanism of disease.;The prevalence of the variant in affected individuals is significantly increased compared to the prevalence in controls.;Patient's phenotype or family history is highly specific for a disease with a single genetic etiology.

Laboratory of Gastroenterology and Hepatology, Radboud University Medical Center
Classification: Pathogenic for Autosomal dominant polycystic kidney disease. Last evaluated: 2021-09-01. Review status: no assertion criteria provided. Collection method: research. Allele origin: germline. Affected: yes. Not counted in ClinVar's aggregate classification.

NM_001009944.3(PKD1):c.9398-2A>G

Gene: PKD1 (polycystin 1, transient receptor potential channel interacting; minus strand). Cytogenetic location: 16p13.3.
Variant type: single nucleotide variant.
Coding change: c.9398-2A>G on transcript NM_001009944.3 (MANE Select); the canonical splice acceptor site of the intron before coding-DNA position 9398, A replaced by G.
Molecular consequence: splice acceptor variant.
Genome position (GRCh38, 1-based): chr16:2,100,568, T>C on the plus strand (A>G on the coding strand, the complement: PKD1 is on the minus strand). VCF-style: chr16-2100568-T-C. GRCh37 (hg19) VCF-style: chr16-2150569-T-C.
Other names: c.9398-2A>G (NM_001009944.2, NM_000296.4).
Identifiers: ClinVar variation 1255677 (VCV001255677.5), dbSNP rs2151742515, ClinGen allele CA394356715.